The following is an entry in ClinVar:

ClinVar aggregate classification (germline): Uncertain significance. Review status: criteria provided, multiple submitters, no conflicts (2 of 4 stars). 4 submissions from 4 submitters: Uncertain significance (3). 1 of the submissions does not count toward it. Last evaluated 2025-08-22.

Conditions:
Autosomal recessive limb-girdle muscular dystrophy type 2B (LGMDR2). Also called: MUSCULAR DYSTROPHY, LIMB-GIRDLE, AUTOSOMAL RECESSIVE 2; Limb-Girdle Muscular Dystrophy Type 2B (LGMD2B); MUSCULAR DYSTROPHY, LIMB-GIRDLE, TYPE 3; Limb-girdle muscular dystrophy, type 2B. Identifiers: Orphanet 268, MedGen C1850889, MONDO:0009676, OMIM 253601.
Inborn genetic diseases. Identifiers: MedGen C0950123, MeSH D030342.
Autosomal recessive limb-girdle muscular dystrophy. Identifiers: Orphanet 102015, MedGen C2931907, MONDO:0015152.
Neuromuscular disease caused by qualitative or quantitative defects of dysferlin. Also called: Qualitative or quantitative defects of dysferlin; Dysferlinopathy. Identifiers: Orphanet 207073, MedGen C2931687, MONDO:0016145.

Allele frequency attached by ClinVar (database versions not stated): gnomAD exomes below 0.00001; TOPMed below 0.00001; ExAC 0.00001; gnomAD 0.00001.
gnomAD v4.1: 9 of 1,614,058 alleles (0.00056%); highest among the groups gnomAD compares: African/African-American, 0.0053%; no homozygotes.

Submissions (4):

Myriad Genetics, Inc.
Classification: Uncertain significance for Autosomal recessive limb-girdle muscular dystrophy. Last evaluated: 2025-08-22. Review status: criteria provided, single submitter. Criteria: Myriad Autosomal Dominant, Autosomal Recessive and X-Linked Classification Criteria (2023). Collection method: clinical testing. Allele origin: unknown.
Comment: NM_003494.3(DYSF):c.2989G>A(E997K) is a missense variant classified as a variant of uncertain significance in the context of dysferlinopathy. E997K has not been observed in a case with relevant disease. Relevant functional assessments of this variant are not available in the literature. E997K has not been observed in referenced population frequency databases. In summary, there is insufficient evidence to classify NM_003494.3(DYSF):c.2989G>A(E997K) as pathogenic or benign. Please note: this variant was assessed in the context of healthy population screening.

Ambry Genetics
Classification: Uncertain significance for Inborn genetic diseases. Last evaluated: 2025-01-21. Review status: criteria provided, single submitter. Criteria: Ambry Variant Classification Scheme 2023. Collection method: clinical testing. Allele origin: germline.

Labcorp Genetics (formerly Invitae), Labcorp
Classification: Uncertain significance for Neuromuscular disease caused by qualitative or quantitative defects of dysferlin. Last evaluated: 2022-06-13. Review status: criteria provided, single submitter. Criteria: Invitae Variant Classification Sherloc (09022015). Collection method: clinical testing. Allele origin: germline.
Comment: This sequence change replaces glutamic acid, which is acidic and polar, with lysine, which is basic and polar, at codon 997 of the DYSF protein (p.Glu997Lys). This variant is present in population databases (rs755791637, gnomAD no frequency). This variant has not been reported in the literature in individuals affected with DYSF-related conditions. ClinVar contains an entry for this variant (Variation ID: 652846). Advanced modeling of protein sequence and biophysical properties (such as structural, functional, and spatial information, amino acid conservation, physicochemical variation, residue mobility, and thermodynamic stability) performed at Invitae indicates that this missense variant is not expected to disrupt DYSF protein function. In summary, the available evidence is currently insufficient to determine the role of this variant in disease. Therefore, it has been classified as a Variant of Uncertain Significance.

Natera, Inc.
Classification: Uncertain significance for Limb-girdle muscular dystrophy type 2B. Last evaluated: 2021-09-18. Review status: no assertion criteria provided. Collection method: clinical testing. Allele origin: germline. Not counted in ClinVar's aggregate classification.

NM_001130987.2(DYSF):c.3043G>A (p.Glu1015Lys)

Gene: DYSF (dysferlin; plus strand). Cytogenetic location: 2p13.2.
Variant type: single nucleotide variant.
Coding change: c.3043G>A on transcript NM_001130987.2 (MANE Select); coding-DNA position 3043, G replaced by A.
Protein change: p.Glu1015Lys; replaces glutamic acid 1015 with lysine.
Molecular consequence: missense variant.
Genome position (GRCh38, 1-based): chr2:71,570,292, G>A. VCF-style: chr2-71570292-G-A. GRCh37 (hg19) VCF-style: chr2-71797422-G-A.
Other names: c.2992G>A, p.Glu998Lys (NM_001130455.2, NM_001130983.2); c.2947G>A, p.Glu983Lys (NM_001130976.2, NM_001130977.2); c.2989G>A, p.Glu997Lys (NM_001130978.2, NM_003494.4); c.3082G>A, p.Glu1028Lys (NM_001130979.2); c.3040G>A, p.Glu1014Lys (NM_001130980.2, NM_001130981.2); c.3085G>A, p.Glu1029Lys (NM_001130982.2); c.2950G>A, p.Glu984Lys (NM_001130984.2, NM_001130986.2); c.3043G>A, p.Glu1015Lys (NM_001130985.2); short protein forms E998K, E983K, E984K, E997K, E1028K, E1029K, E1014K, E1015K.
Identifiers: ClinVar variation 652846 (VCV000652846.7), dbSNP rs755791637, ClinGen allele CA1706377.